The following is an entry in ClinVar:

NM_004036.5(ADCY3):c.2823C>T (p.Ile941=)

Gene: ADCY3 (adenylate cyclase 3; minus strand). Cytogenetic location: 2p23.3.
Variant type: single nucleotide variant.
Coding change: c.2823C>T on transcript NM_004036.5 (MANE Select); coding-DNA position 2823, C replaced by T.
Protein change: p.Ile941=; no amino-acid change (isoleucine 941 retained).
Molecular consequence: synonymous variant. On other transcripts: intron variant (1).
Genome position (GRCh38, 1-based): chr2:24,823,269, G>A on the plus strand (C>T on the coding strand, the complement: ADCY3 is on the minus strand). VCF-style: chr2-24823269-G-A. GRCh37 (hg19) VCF-style: chr2-25046138-G-A.
Other names: c.2826C>T, p.Ile942= (NM_001320613.2); c.2889C>T, p.Ile963= (NM_001377128.1); c.2685C>T, p.Ile895= (NM_001377129.1); c.2100C>T, p.Ile700= (NM_001377131.1); c.2823C>T, p.Ile941= (NM_001377132.1); c.2332-639C>T (NM_001377130.1).
Identifiers: ClinVar variation 3358322 (VCV003358322.1).

ClinVar aggregate classification (germline): Likely benign (0 of 4 stars; one submission).

Conditions:
ADCY3-related disorder. Also called: ADCY3-related condition.

Submission:

PreventionGenetics, part of Exact Sciences
Classification: Likely benign for ADCY3-related condition. Last evaluated: 2021-02-08. Review status: no assertion criteria provided. Collection method: clinical testing. Allele origin: germline.
Comment: This variant is classified as likely benign based on ACMG/AMP sequence variant interpretation guidelines (Richards et al. 2015 PMID: 25741868, with internal and published modifications).